The following is an entry in ClinVar:

ClinVar aggregate classification (germline): Uncertain significance (1 of 4 stars; one submission).

Conditions:
Hereditary cancer-predisposing syndrome. Also called: Neoplastic Syndromes, Hereditary; Tumor predisposition; Hereditary Cancer Syndrome; Hereditary neoplastic syndrome. Identifiers: Orphanet 140162, MedGen C0027672, MeSH D009386, MONDO:0015356.

Submission:

Ambry Genetics
Classification: Uncertain significance for Hereditary cancer-predisposing syndrome. Last evaluated: 2020-02-28. Review status: criteria provided, single submitter. Criteria: Ambry Variant Classification Scheme 2023. Collection method: clinical testing. Allele origin: germline.
Comment: The p.A6S variant (also known as c.16G>T), located in coding exon 1 of the MRE11A gene, results from a G to T substitution at nucleotide position 16. The alanine at codon 6 is replaced by serine, an amino acid with similar properties. This amino acid position is not well conserved in available vertebrate species. In addition, this alteration is predicted to be tolerated by in silico analysis. Since supporting evidence is limited at this time, the clinical significance of this alteration remains unclear.

NM_005591.4(MRE11):c.16G>T (p.Ala6Ser)

Gene: MRE11 (MRE11 double strand break repair nuclease; minus strand). Cytogenetic location: 11q21.
Variant type: single nucleotide variant.
Coding change: c.16G>T on transcript NM_005591.4 (MANE Select); coding-DNA position 16, G replaced by T.
Protein change: p.Ala6Ser; replaces alanine 6 with serine.
Molecular consequence: missense variant.
Genome position (GRCh38, 1-based): chr11:94,492,786, C>A on the plus strand (G>T on the coding strand, the complement: MRE11 is on the minus strand). VCF-style: chr11-94492786-C-A. GRCh37 (hg19) VCF-style: chr11-94225952-C-A.
Other names: c.16G>T, p.Ala6Ser (NM_001330347.2, NM_005590.4); short protein forms A6S.
Identifiers: ClinVar variation 1800279 (VCV001800279.2), dbSNP rs1060501784, ClinGen allele CA382381557.